The following is an entry in ClinVar:

ClinVar aggregate classification (germline): Likely benign. Review status: criteria provided, multiple submitters, no conflicts (2 of 4 stars). 2 submissions from 2 submitters: Likely benign (2). Last evaluated 2025-09-01.

Conditions:
DYNC2I1-related disorder. Also called: DYNC2I1-related condition.
Short-rib thoracic dysplasia 8 with or without polydactyly (SRTD8). Also called: SHORT-RIB THORACIC DYSPLASIA 8 WITH POLYDACTYLY. Identifiers: Orphanet 93271, MedGen C3809691, MONDO:0014214, OMIM 615503.

Allele frequency attached by ClinVar (database versions not stated): gnomAD exomes 0.00001; TOPMed 0.00002.
gnomAD v4.1: 20 of 1,580,384 alleles (0.0013%); highest among the groups gnomAD compares: Non-Finnish European, 0.0016%; no homozygotes.

Submissions (2):

Labcorp Genetics (formerly Invitae), Labcorp
Classification: Likely benign for Short-rib thoracic dysplasia 8 with or without polydactyly. Last evaluated: 2025-09-01. Review status: criteria provided, single submitter. Criteria: Invitae Variant Classification Sherloc (09022015). Collection method: clinical testing. Allele origin: germline.

PreventionGenetics, part of Exact Sciences
Classification: Likely benign for DYNC2I1-related condition. Last evaluated: 2024-12-09. Review status: criteria provided, single submitter. Criteria: ACMG Guidelines, 2015. Collection method: clinical testing. Allele origin: germline.
Comment: This variant is classified as likely benign based on ACMG/AMP sequence variant interpretation guidelines (Richards et al. 2015 PMID: 25741868, with internal and published modifications).

NM_018051.5(DYNC2I1):c.1113A>G (p.Thr371=)

Gene: DYNC2I1 (dynein 2 intermediate chain 1; plus strand). Cytogenetic location: 7q36.3.
Variant type: single nucleotide variant.
Coding change: c.1113A>G on transcript NM_018051.5 (MANE Select); coding-DNA position 1113, A replaced by G.
Protein change: p.Thr371=; no amino-acid change (threonine 371 retained).
Molecular consequence: synonymous variant. On other transcripts: 5 prime UTR variant (3).
Genome position (GRCh38, 1-based): chr7:158,901,792, A>G. VCF-style: chr7-158901792-A-G. GRCh37 (hg19) VCF-style: chr7-158694483-A-G.
Other names: c.975A>G, p.Thr325= (NM_001350914.2); c.540A>G, p.Thr180= (NM_001350915.2); c.-246A>G (NM_001350916.2); c.-254A>G (NM_001350917.2, NM_001350918.2); c.1113A>G (NM_018051.4).
Identifiers: ClinVar variation 1152913 (VCV001152913.10), dbSNP rs1353546702, ClinGen allele CA458910623.